The following is an entry in ClinVar:

NM_005629.4(SLC6A8):c.405C>T (p.Tyr135=)

Gene: SLC6A8 (solute carrier family 6 member 8; plus strand). Cytogenetic location: Xq28.
Variant type: single nucleotide variant.
Coding change: c.405C>T on transcript NM_005629.4 (MANE Select); coding-DNA position 405, C replaced by T.
Protein change: p.Tyr135=; no amino-acid change (tyrosine 135 retained).
Molecular consequence: synonymous variant.
Genome position (GRCh38, 1-based): chrX:153,691,314, C>T. VCF-style: chrX-153691314-C-T. GRCh37 (hg19) VCF-style: chrX-152956769-C-T.
Other names: c.405C>T, p.Tyr135= (NM_001142805.2); c.60C>T, p.Tyr20= (NM_001142806.1).
Identifiers: ClinVar variation 516198 (VCV000516198.11), dbSNP rs782249346, ClinGen allele CA10549196.

ClinVar aggregate classification (germline): Likely benign. Review status: criteria provided, multiple submitters, no conflicts (2 of 4 stars). 2 submissions from 2 submitters: Likely benign (2). Last evaluated 2025-12-21.

Conditions:
Creatine transporter deficiency (CCDS1). Also called: Creatine Transporter (CRTR) Deficiency; Mental retardation , X-linked with seizures, short stature and midface hypoplasia; Mental retardation , X-linked, with creatine transport deficiency; X-linked creatine transporter deficiency; X-linked creatine deficiency syndrome; SLC6A8-Related Creatine Transporter Deficiency. Identifiers: Orphanet 52503, MedGen C1845862, MONDO:0010305, OMIM 300352.

Allele frequency attached by ClinVar (database versions not stated): TOPMed below 0.00001; gnomAD 0.00001 and 0.00002; gnomAD exomes 0.00001; ExAC 0.00003.
gnomAD v4.1: 16 of 1,199,961 alleles (0.0013%); highest among the groups gnomAD compares: South Asian, 0.014%; no homozygotes.

Submissions (2):

Labcorp Genetics (formerly Invitae), Labcorp
Classification: Likely benign for Creatine transporter deficiency. Last evaluated: 2025-12-21. Review status: criteria provided, single submitter. Criteria: Invitae Variant Classification Sherloc (09022015). Collection method: clinical testing. Allele origin: germline.

GeneDx
Classification: Likely benign. Last evaluated: 2018-03-05. Review status: criteria provided, single submitter. Criteria: GeneDx Variant Classification (06012015). Collection method: clinical testing. Allele origin: germline. Affected: yes.
Comment: This variant is considered likely benign or benign based on one or more of the following criteria: it is a conservative change, it occurs at a poorly conserved position in the protein, it is predicted to be benign by multiple in silico algorithms, and/or has population frequency not consistent with disease.